The following is an entry in ClinVar:

NM_014915.3(ANKRD26):c.3094C>A (p.Leu1032Ile)

Gene: ANKRD26 (ankyrin repeat domain containing 26; minus strand). Cytogenetic location: 10p12.1.
Variant type: single nucleotide variant.
Coding change: c.3094C>A on transcript NM_014915.3 (MANE Select); coding-DNA position 3094, C replaced by A.
Protein change: p.Leu1032Ile; replaces leucine 1032 with isoleucine.
Molecular consequence: missense variant.
Genome position (GRCh38, 1-based): chr10:27,035,356, G>T on the plus strand (C>A on the coding strand, the complement: ANKRD26 is on the minus strand). VCF-style: chr10-27035356-G-T. GRCh37 (hg19) VCF-style: chr10-27324285-G-T.
Other names: c.3091C>A, p.Leu1031Ile (NM_001256053.2); short protein forms L1031I, L1032I.
Identifiers: ClinVar variation 3369505 (VCV003369505.1).
Genomic context (GRCh38, chr10:27,035,356, plus strand): 5'-CATCAAAATTCATTTTGTCCTGTAAACGAGAACATTCATCTCTTGCTCTCTGGAAAGCAA[G>T]TTCTAGTTCTCTTTTTGATGTCTCACTTTGATCACGATCATGTATAGCAGCAGCCAATCT-3'
Protein context (NP_055730.2, residues 1022-1042): QSETSKRELE[Leu1032Ile]AFQRARDECS

ClinVar aggregate classification (germline): Uncertain significance (1 of 4 stars; one submission).

gnomAD v4.1: 2 of 1,613,902 alleles (0.00012%); highest among the groups gnomAD compares: Non-Finnish European, 0.00017%; no homozygotes.

Submission:

GeneDx
Classification: Uncertain significance. Last evaluated: 2024-02-21. Review status: criteria provided, single submitter. Criteria: GeneDx Variant Classification Process June 2021. Collection method: clinical testing. Allele origin: germline. Affected: yes.
Comment: Not observed at significant frequency in large population cohorts (gnomAD); In silico analysis supports that this missense variant does not alter protein structure/function; Has not been previously published as pathogenic or benign to our knowledge